The following is an entry in ClinVar:

ClinVar aggregate classification (germline): Uncertain significance. Review status: criteria provided, multiple submitters, no conflicts (2 of 4 stars). 2 submissions from 2 submitters: Uncertain significance (2). Last evaluated 2025-06-30.

Conditions:
Cardiomyopathy (CMYO). Also called: Cardiomyopathies. Identifiers: Orphanet 167848, MedGen C0878544, MONDO:0004994, HP:0001638. Inheritance: Various modes of inheritance.
Hypertrophic cardiomyopathy. Also called: HYPERTROPHIC MYOCARDIOPATHY. Identifiers: Orphanet 217569, MedGen C0007194, MeSH D002312, MONDO:0005045, HP:0001639.

Allele frequency attached by ClinVar (database versions not stated): gnomAD exomes below 0.00001.
gnomAD v4.1: 4 of 1,613,588 alleles (0.00025%); highest among the groups gnomAD compares: Non-Finnish European, 0.00034%; no homozygotes.

Submissions (2):

Color Diagnostics, LLC DBA Color Health
Classification: Uncertain significance for Cardiomyopathy. Last evaluated: 2025-06-30. Review status: criteria provided, single submitter. Criteria: ACMG Guidelines, 2015. Collection method: clinical testing. Allele origin: germline.
Comment: This variant causes a C to G nucleotide substitution at the +6 position of intron 35/39 of the MYH7 gene. To our knowledge, functional studies have not been reported for this variant. This variant has not been reported in individuals affected with MYH7-related disorders in the literature. This variant has been identified in 1/250788 chromosomes in the general population by the Genome Aggregation Database (gnomAD). The available evidence is insufficient to determine the role of this variant in disease conclusively. Therefore, this variant is classified as a Variant of Uncertain Significance.

Labcorp Genetics (formerly Invitae), Labcorp
Classification: Uncertain significance for Hypertrophic cardiomyopathy. Last evaluated: 2023-10-22. Review status: criteria provided, single submitter. Criteria: Invitae Variant Classification Sherloc (09022015). Collection method: clinical testing. Allele origin: germline.
Comment: This sequence change falls in intron 35 of the MYH7 gene. It does not directly change the encoded amino acid sequence of the MYH7 protein. It affects a nucleotide within the consensus splice site. This variant is present in population databases (no rsID available, gnomAD 0.0009%). This variant has not been reported in the literature in individuals affected with MYH7-related conditions. ClinVar contains an entry for this variant (Variation ID: 1504370). Variants that disrupt the consensus splice site are a relatively common cause of aberrant splicing (PMID: 17576681, 9536098). Algorithms developed to predict the effect of sequence changes on RNA splicing suggest that this variant is not likely to affect RNA splicing. In summary, the available evidence is currently insufficient to determine the role of this variant in disease. Therefore, it has been classified as a Variant of Uncertain Significance.

Literature cited by the submitters: PubMed 17576681 (cited by Labcorp Genetics (formerly Invitae), Labcorp); PubMed 9536098 (cited by Labcorp Genetics (formerly Invitae), Labcorp).

NM_000257.4(MYH7):c.5157+6C>G

Genes: MHRT (myosin heavy chain associated RNA transcript; plus strand), MYH7 (myosin heavy chain 7; minus strand), LOC126861897 (BRD4-independent group 4 enhancer GRCh37_chr14:23884455-23885654; plus strand). Cytogenetic location: 14q11.2.
Variant type: single nucleotide variant.
Coding change: c.5157+6C>G on transcript NM_000257.4 (MANE Select); 6 bases into the intron after coding-DNA position 5157, C replaced by G.
Molecular consequence: intron variant. On other transcripts: non-coding transcript variant (1).
Genome position (GRCh38, 1-based): chr14:23,415,623, G>C on the plus strand (C>G on the coding strand, the complement: MYH7 is on the minus strand). VCF-style: chr14-23415623-G-C. GRCh37 (hg19) VCF-style: chr14-23884832-G-C.
Identifiers: ClinVar variation 1504370 (VCV001504370.6), dbSNP rs1356428037, ClinGen allele CA485766143.
Genomic context (GRCh38, chr14:23,415,623, plus strand): 5'-TCTCAAGCCTTGCTTGCTGAGCCCCAGCCTGTGCTCCCTTCAGGAATGAGCAGGGGAGCT[G>C]CTCACCTGGGAATGCAGCAGCTGCACCCGCTCACTAGTCTCAATCAGCTCCTGCTCCGCC-3'